The following is an entry in ClinVar:

NM_002968.3(SALL1):c.886del (p.Ala296fs)

Gene: SALL1 (spalt like transcription factor 1; minus strand). Cytogenetic location: 16q12.1.
Variant type: Deletion.
Coding change: c.886del on transcript NM_002968.3 (MANE Select); coding-DNA position 886, one base deleted (G; older notation c.886delG).
Protein change: p.Ala296fs; shifts the reading frame from alanine 296.
Molecular consequence: frameshift variant.
Genome position (GRCh38, 1-based): chr16:51,141,336, C deleted on the plus strand (G on the coding strand, the reverse complement: SALL1 is on the minus strand). VCF-style (leftmost placement, unchanged base first): chr16-51141335-GC-G. GRCh37 (hg19) VCF-style: chr16-51175246-GC-G.
Other names: c.595del, p.Ala199fs (NM_001127892.2); short protein forms A296fs, A199fs.
Identifiers: ClinVar variation 3344168 (VCV003344168.1).

ClinVar aggregate classification (germline): Likely pathogenic (0 of 4 stars; one submission).

Conditions:
SALL1-related disorder. Also called: SALL1-related condition.

Submission:

PreventionGenetics, part of Exact Sciences
Classification: Likely pathogenic for SALL1-related condition. Last evaluated: 2024-04-26. Review status: no assertion criteria provided. Collection method: clinical testing. Allele origin: germline.
Comment: The SALL1 c.886delG variant is predicted to result in a frameshift and premature protein termination (p.Ala296Glnfs*18). To our knowledge, this variant has not been reported in the literature or in a large population database, indicating this variant is rare. Frameshift variants in SALL1 are expected to be pathogenic. This variant is interpreted as likely pathogenic.